The following is an entry in ClinVar:

ClinVar aggregate classification (germline): Uncertain significance. Review status: reviewed by expert panel (3 of 4 stars). 2 submissions from 2 submitters: Uncertain significance (1). 1 of the submissions does not count toward it. Last evaluated 2024-10-29.

Conditions:
Hereditary thrombocytopenia and hematologic cancer predisposition syndrome. Identifiers: Orphanet 71290, MedGen CN281654, MONDO:0011071.
Hereditary thrombocytopenia and hematological cancer predisposition syndrome associated with RUNX1. Also called: RUNX1 Familial Platelet Disorder with Associated Myeloid Malignancies; Familial Platelet Disorder with Propensity to Acute Myelogenous Leukemia; Familial thrombocytopenia with propensity to acute myelogenous leukemia; PLATELET DISORDER, ASPIRIN-LIKE. Identifiers: Orphanet 71290, MedGen C1832388, MeSH C563324, MONDO:0100083, OMIM 601399.

Submissions (2):

ClinGen Myeloid Malignancy Variant Curation Expert Panel
Classification: Uncertain significance for Hereditary thrombocytopenia and hematologic cancer predisposition syndrome. Last evaluated: 2024-10-29. Review status: reviewed by expert panel. Criteria: ClinGen MyeloMalig ACMG Specifications v2. Collection method: curation. Allele origin: germline. Inheritance: Autosomal dominant inheritance.
Comment: NM_001754.5(RUNX1):c.245T>A (p.Leu82Gln) is a missense variant which is completely absent from all population databases with at least 20x coverage for RUNX1 (PM2_Supporting). In summary, the clinical significance of this variant is uncertain. ACMG/AMP criteria applied, as specified by the Myeloid Malignancy Variant Curation Expert Panel for RUNX1: PM2_supporting.

Labcorp Genetics (formerly Invitae), Labcorp
Classification: Uncertain significance for Hereditary thrombocytopenia and hematological cancer predisposition syndrome associated with RUNX1. Last evaluated: 2021-08-12. Review status: criteria provided, single submitter. Criteria: Invitae Variant Classification Sherloc (09022015). Collection method: clinical testing. Allele origin: germline. Not counted in ClinVar's aggregate classification.
Comment: In summary, the available evidence is currently insufficient to determine the role of this variant in disease. Therefore, it has been classified as a Variant of Uncertain Significance. Algorithms developed to predict the effect of missense changes on protein structure and function are either unavailable or do not agree on the potential impact of this missense change (SIFT: "Tolerated"; PolyPhen-2: "Probably Damaging"; Align-GVGD: "Class C0"). This variant has not been reported in the literature in individuals affected with RUNX1-related conditions. This variant is not present in population databases (ExAC no frequency). This sequence change replaces leucine with glutamine at codon 82 of the RUNX1 protein (p.Leu82Gln). The leucine residue is moderately conserved and there is a moderate physicochemical difference between leucine and glutamine.

NM_001754.5(RUNX1):c.245T>A (p.Leu82Gln)

Gene: RUNX1 (RUNX family transcription factor 1; minus strand). Cytogenetic location: 21q22.12.
Variant type: single nucleotide variant.
Coding change: c.245T>A on transcript NM_001754.5 (MANE Select); coding-DNA position 245, T replaced by A.
Protein change: p.Leu82Gln; replaces leucine 82 with glutamine.
Molecular consequence: missense variant.
Genome position (GRCh38, 1-based): chr21:34,886,949, A>T on the plus strand (T>A on the coding strand, the complement: RUNX1 is on the minus strand). VCF-style: chr21-34886949-A-T. GRCh37 (hg19) VCF-style: chr21-36259246-A-T.
Other names: NM_001754.5(RUNX1):c.245T>A; p.Leu82Gln; c.164T>A, p.Leu55Gln (NM_001001890.3, NM_001122607.2); short protein forms L55Q, L82Q.
Identifiers: ClinVar variation 1482816 (VCV001482816.7), dbSNP rs2146410813, ClinGen allele CA410203814.